The following is an entry in ClinVar:

NM_001130987.2(DYSF):c.1033C>T (p.Arg345Trp)

Gene: DYSF (dysferlin; plus strand). Cytogenetic location: 2p13.2.
Variant type: single nucleotide variant.
Coding change: c.1033C>T on transcript NM_001130987.2 (MANE Select); coding-DNA position 1033, C replaced by T.
Protein change: p.Arg345Trp; replaces arginine 345 with tryptophan.
Molecular consequence: missense variant.
Genome position (GRCh38, 1-based): chr2:71,520,208, C>T. VCF-style: chr2-71520208-C-T. GRCh37 (hg19) VCF-style: chr2-71747338-C-T.
Other names: c.940C>T, p.Arg314Trp (NM_001130455.2, NM_001130983.2, NM_001130984.2 and 1 more transcripts); c.937C>T, p.Arg313Trp (NM_001130976.2, NM_001130977.2, NM_001130978.2 and 1 more transcripts); c.1030C>T, p.Arg344Trp (NM_001130979.2, NM_001130980.2, NM_001130981.2); c.1033C>T, p.Arg345Trp (NM_001130982.2, NM_001130985.2); short protein forms R313W, R314W, R344W, R345W.
Identifiers: ClinVar variation 991648 (VCV000991648.25), dbSNP rs755046419, ClinGen allele CA1705574.

ClinVar aggregate classification (germline): Uncertain significance. Review status: criteria provided, multiple submitters, no conflicts (2 of 4 stars). 3 submissions from 3 submitters: Uncertain significance (2). 1 of the submissions does not count toward it. Last evaluated 2024-01-01.

Conditions:
Neuromuscular disease caused by qualitative or quantitative defects of dysferlin. Also called: Qualitative or quantitative defects of dysferlin; Dysferlinopathy. Identifiers: Orphanet 207073, MedGen C2931687, MONDO:0016145.
Autosomal recessive limb-girdle muscular dystrophy type 2B (LGMDR2). Also called: MUSCULAR DYSTROPHY, LIMB-GIRDLE, AUTOSOMAL RECESSIVE 2; Limb-girdle muscular dystrophy, type 2B; Limb-Girdle Muscular Dystrophy Type 2B (LGMD2B); MUSCULAR DYSTROPHY, LIMB-GIRDLE, TYPE 3. Identifiers: Orphanet 268, MedGen C1850889, MONDO:0009676, OMIM 253601.

Allele frequency attached by ClinVar (database versions not stated): TOPMed 0.00001; ExAC 0.00002; gnomAD exomes 0.00003; gnomAD 0.00005.
gnomAD v4.1: 77 of 1,614,164 alleles (0.0048%); highest among the groups gnomAD compares: Non-Finnish European, 0.0057%; no homozygotes.

Submissions (3):

CeGaT Center for Human Genetics Tuebingen
Classification: Uncertain significance. Last evaluated: 2024-01-01. Review status: criteria provided, single submitter. Criteria: CeGaT Center For Human Genetics Tuebingen Variant Classification Criteria Version 2. Collection method: clinical testing. Allele origin: germline. Affected: yes. Observed: 1 variant allele.
Comment: DYSF: PM2, PP3

Labcorp Genetics (formerly Invitae), Labcorp
Classification: Uncertain significance for Neuromuscular disease caused by qualitative or quantitative defects of dysferlin. Last evaluated: 2022-06-19. Review status: criteria provided, single submitter. Criteria: Invitae Variant Classification Sherloc (09022015). Collection method: clinical testing. Allele origin: germline.
Comment: This sequence change replaces arginine, which is basic and polar, with tryptophan, which is neutral and slightly polar, at codon 313 of the DYSF protein (p.Arg313Trp). This variant is present in population databases (rs755046419, gnomAD 0.006%). This variant has not been reported in the literature in individuals affected with DYSF-related conditions. ClinVar contains an entry for this variant (Variation ID: 991648). Algorithms developed to predict the effect of missense changes on protein structure and function are either unavailable or do not agree on the potential impact of this missense change (SIFT: "Deleterious"; PolyPhen-2: "Probably Damaging"; Align-GVGD: "Class C0"). In summary, the available evidence is currently insufficient to determine the role of this variant in disease. Therefore, it has been classified as a Variant of Uncertain Significance.

Natera, Inc.
Classification: Uncertain significance for Limb-girdle muscular dystrophy type 2B. Last evaluated: 2020-08-14. Review status: no assertion criteria provided. Collection method: clinical testing. Allele origin: germline. Not counted in ClinVar's aggregate classification.